The following is an entry in ClinVar:

NM_145068.4(TRPV3):c.1456G>C (p.Gly486Arg)

Gene: TRPV3 (transient receptor potential cation channel subfamily V member 3; minus strand). Cytogenetic location: 17p13.2.
Variant type: single nucleotide variant.
Coding change: c.1456G>C on transcript NM_145068.4 (MANE Select); coding-DNA position 1456, G replaced by C.
Protein change: p.Gly486Arg; replaces glycine 486 with arginine.
Molecular consequence: missense variant.
Genome position (GRCh38, 1-based): chr17:3,528,072, C>G on the plus strand (G>C on the coding strand, the complement: TRPV3 is on the minus strand). VCF-style: chr17-3528072-C-G. GRCh37 (hg19) VCF-style: chr17-3431366-C-G.
Other names: c.1456G>C, p.Gly486Arg (NM_001258205.2); short protein forms G486R.
Identifiers: ClinVar variation 2824203 (VCV002824203.3), dbSNP rs778358770, ClinGen allele CA397682987.

ClinVar aggregate classification (germline): Uncertain significance (1 of 4 stars; one submission).

Submission:

Labcorp Genetics (formerly Invitae), Labcorp
Classification: Uncertain significance. Last evaluated: 2022-12-25. Review status: criteria provided, single submitter. Criteria: Invitae Variant Classification Sherloc (09022015). Collection method: clinical testing. Allele origin: germline.
Comment: This sequence change replaces glycine, which is neutral and non-polar, with arginine, which is basic and polar, at codon 486 of the TRPV3 protein (p.Gly486Arg). This variant is not present in population databases (gnomAD no frequency). This variant has not been reported in the literature in individuals affected with TRPV3-related conditions. Algorithms developed to predict the effect of missense changes on protein structure and function are either unavailable or do not agree on the potential impact of this missense change (SIFT: "Deleterious"; PolyPhen-2: "Probably Damaging"; Align-GVGD: "Class C0"). In summary, the available evidence is currently insufficient to determine the role of this variant in disease. Therefore, it has been classified as a Variant of Uncertain Significance.